The following is an entry in ClinVar:

ClinVar aggregate classification (germline): Pathogenic. Review status: criteria provided, multiple submitters, no conflicts (2 of 4 stars). 2 submissions from 2 submitters: Pathogenic (2). Last evaluated 2019-07-29.

Conditions:
Autosomal recessive Alport syndrome (ATS2). Also called: COL4A4 Alport Syndrome and Thin Basement Membrane Nephropathy; ALPORT SYNDROME 2, AUTOSOMAL RECESSIVE; COL4A3-Related Nephropathy; Alport syndrome type 2. Identifiers: Orphanet 63, Orphanet 88919, MedGen C4746745, MONDO:0008762, OMIM 203780.

Submissions (2):

Labcorp Genetics (formerly Invitae), Labcorp
Classification: Pathogenic. Last evaluated: 2019-07-29. Review status: criteria provided, single submitter. Criteria: Invitae Variant Classification Sherloc (09022015). Collection method: clinical testing. Allele origin: germline.
Comment: This sequence change creates a premature translational stop signal (p.Tyr117*) in the COL4A3 gene. It is expected to result in an absent or disrupted protein product. For these reasons, this variant has been classified as Pathogenic. Loss-of-function variants in COL4A3 are known to be pathogenic (PMID: 8956999, 24854265, 26809805, 27281700). This variant has been observed in an individual affected with Alport syndrome (PMID: 15954103). This variant is not present in population databases (ExAC no frequency).

Institute of Human Genetics Munich, TUM University Hospital
Classification: Pathogenic for Autosomal recessive Alport syndrome. Last evaluated: 2019-06-07. Review status: criteria provided, single submitter. Criteria: Classification criteria August 2017. Collection method: clinical testing. Allele origin: germline. Inheritance: Autosomal recessive inheritance. Affected: yes. Observed: 2 compound heterozygotes.

Literature cited by the submitters: PubMed 8956999 (cited by Labcorp Genetics (formerly Invitae), Labcorp); PubMed 24854265 (cited by Labcorp Genetics (formerly Invitae), Labcorp); PubMed 26809805 (cited by Labcorp Genetics (formerly Invitae), Labcorp); PubMed 27281700 (cited by Labcorp Genetics (formerly Invitae), Labcorp); PubMed 15954103 (cited by Labcorp Genetics (formerly Invitae), Labcorp).

NM_000091.5(COL4A3):c.351C>A (p.Tyr117Ter)

Genes: MFF-DT (MFF divergent transcript; minus strand), COL4A3 (collagen type IV alpha 3 chain; plus strand). Cytogenetic location: 2q36.3.
Variant type: single nucleotide variant.
Coding change: c.351C>A on transcript NM_000091.5 (MANE Select); coding-DNA position 351, C replaced by A.
Protein change: p.Tyr117Ter; replaces tyrosine 117 with a stop codon.
Molecular consequence: nonsense.
Genome position (GRCh38, 1-based): chr2:227,245,980, C>A. VCF-style: chr2-227245980-C-A. GRCh37 (hg19) VCF-style: chr2-228110696-C-A.
Other names: short protein forms Y117*.
Identifiers: ClinVar variation 807563 (VCV000807563.13), dbSNP rs750308686, ClinGen allele CA350861664.
Genomic context (GRCh38, chr2:227,245,980, plus strand): 5'-TGACCCTCCTCATTGAGACTTGTTCTTCTTCCAGGGCACCCCAGGCAATACCGGGCCTTA[C>A]GGACTTGTCGGTGTACCAGGATGCAGTGGTTCTAAGGTAAGTACTTTTCACACAGAAGAT-3'